The following is an entry in ClinVar:

NM_138383.3(MTSS2):c.1102G>A (p.Val368Ile)

Gene: MTSS2 (MTSS I-BAR domain containing 2; minus strand). Cytogenetic location: 16q22.1.
Variant type: single nucleotide variant.
Coding change: c.1102G>A on transcript NM_138383.3 (MANE Select); coding-DNA position 1102, G replaced by A.
Protein change: p.Val368Ile; replaces valine 368 with isoleucine.
Molecular consequence: missense variant.
Genome position (GRCh38, 1-based): chr16:70,665,492, C>T on the plus strand (G>A on the coding strand, the complement: MTSS2 is on the minus strand). VCF-style: chr16-70665492-C-T. GRCh37 (hg19) VCF-style: chr16-70699395-C-T.
Other names: short protein forms V368I.
Identifiers: ClinVar variation 3218210 (VCV003218210.2), dbSNP rs939579417, ClinGen allele CA283515394.
Genomic context (GRCh38, chr16:70,665,492, plus strand): 5'-GTGACTGTCCTGGGGCCGGGCTGGGAGCACTGACCGAGGTGGGGGAGCTGCACTCGCTAA[C>T]GGACTGGCAGGTTTCCGAGGCCTCGGAAGATGCAGAGCTGGAGGACTTCTGCCATGCAGA-3'
Protein context (NP_612392.1, residues 358-378): SSEASETCQS[Val368Ile]SECSSPTSDW

ClinVar aggregate classification (germline): Uncertain significance. Review status: criteria provided, multiple submitters, no conflicts (2 of 4 stars). 2 submissions from 2 submitters: Uncertain significance (2). Last evaluated 2025-02-06.

Allele frequency attached by ClinVar (database versions not stated): gnomAD 0.00003.
gnomAD v4.1: 60 of 1,556,694 alleles (0.0039%); highest among the groups gnomAD compares: African/African-American, 0.0095%; no homozygotes.

Submissions (2):

Women's Health and Genetics/Laboratory Corporation of America, LabCorp
Classification: Uncertain significance. Last evaluated: 2025-02-06. Review status: criteria provided, single submitter. Criteria: LabCorp Variant Classification Summary - May 2015. Collection method: clinical testing. Allele origin: germline.
Comment: Variant summary: MTSS2 c.1102G>A (p.Val368Ile) results in a conservative amino acid change in the encoded protein sequence. Three of five in-silico tools predict a benign effect of the variant on protein function. The variant allele was found at a frequency of 2.4e-05 in 164522 control chromosomes. The available data on variant occurrences in the general population are insufficient to allow any conclusion about variant significance. To our knowledge, no occurrence of c.1102G>A in individuals affected with Intellectual Developmental Disorder With Ocular Anomalies And Distinctive Facial Features and no experimental evidence demonstrating its impact on protein function have been reported. ClinVar contains an entry for this variant (Variation ID: 3218210). Based on the evidence outlined above, the variant was classified as uncertain significance.

Ambry Genetics
Classification: Uncertain significance. Last evaluated: 2023-11-18. Review status: criteria provided, single submitter. Criteria: Ambry Variant Classification Scheme 2023. Collection method: clinical testing. Allele origin: germline.